The following is an entry in ClinVar:

ClinVar aggregate classification (germline): Uncertain significance (1 of 4 stars; one submission).

Conditions:
Ellis-van Creveld syndrome (EVC). Also called: MESOECTODERMAL DYSPLASIA; EVC-Related Ellis-van Creveld Syndrome; EVC2-Related Ellis-van Creveld Syndrome; Chondroectodermal dysplasia. Identifiers: Orphanet 289, MedGen C0013903, MONDO:0009162, OMIM 225500.
Curry-Hall syndrome (WAD). Also called: WEYERS ACRODENTAL DYSOSTOSIS. Identifiers: Orphanet 952, MedGen C0457013, MONDO:0008673, OMIM 193530.

Allele frequency attached by ClinVar (database versions not stated): 1000 Genomes Project 30x 0.00031; 1000 Genomes Project 0.00040.
gnomAD v4.1: 138 of 1,614,236 alleles (0.0085%); highest among the groups gnomAD compares: South Asian, 0.14%; no homozygotes.

Submission:

Labcorp Genetics (formerly Invitae), Labcorp
Classification: Uncertain significance for Curry-Hall syndrome; Ellis-van Creveld syndrome. Last evaluated: 2025-11-08. Review status: criteria provided, single submitter. Criteria: Invitae Variant Classification Sherloc (09022015). Collection method: clinical testing. Allele origin: germline.
Comment: This sequence change replaces valine, which is neutral and non-polar, with leucine, which is neutral and non-polar, at codon 289 of the EVC2 protein (p.Val289Leu). This variant is present in population databases (rs560409382, gnomAD 0.1%). This variant has not been reported in the literature in individuals affected with EVC2-related conditions. ClinVar contains an entry for this variant (Variation ID: 2038042). An algorithm developed to predict the effect of missense changes on protein structure and function outputs the following: PolyPhen-2: "Benign". The leucine amino acid residue is found in multiple mammalian species, which suggests that this missense change does not adversely affect protein function. In summary, the available evidence is currently insufficient to determine the role of this variant in disease. Therefore, it has been classified as a Variant of Uncertain Significance.

NM_147127.5(EVC2):c.865G>C (p.Val289Leu)

Gene: EVC2 (EvC ciliary complex subunit 2; minus strand). Cytogenetic location: 4p16.2.
Variant type: single nucleotide variant.
Coding change: c.865G>C on transcript NM_147127.5 (MANE Select); coding-DNA position 865, G replaced by C.
Protein change: p.Val289Leu; replaces valine 289 with leucine.
Molecular consequence: missense variant.
Genome position (GRCh38, 1-based): chr4:5,681,265, C>G on the plus strand (G>C on the coding strand, the complement: EVC2 is on the minus strand). VCF-style: chr4-5681265-C-G. GRCh37 (hg19) VCF-style: chr4-5682992-C-G.
Other names: c.625G>C, p.Val209Leu (NM_001166136.2); short protein forms V289L, V209L.
Identifiers: ClinVar variation 2038042 (VCV002038042.3), dbSNP rs560409382, ClinGen allele CA2835272.